The following is an entry in ClinVar:

NM_017739.4(POMGNT1):c.931C>G (p.Arg311Gly)

Genes: POMGNT1 (protein O-linked mannose N-acetylglucosaminyltransferase 1 (beta 1,2-); minus strand), TSPAN1 (tetraspanin 1; plus strand). Cytogenetic location: 1p34.1.
Variant type: single nucleotide variant.
Coding change: c.931C>G on transcript NM_017739.4 (MANE Select); coding-DNA position 931, C replaced by G.
Protein change: p.Arg311Gly; replaces arginine 311 with glycine.
Molecular consequence: missense variant.
Genome position (GRCh38, 1-based): chr1:46,193,874, G>C on the plus strand (C>G on the coding strand, the complement: POMGNT1 is on the minus strand). VCF-style: chr1-46193874-G-C. GRCh37 (hg19) VCF-style: chr1-46659546-G-C.
Other names: c.931C>G, p.Arg311Gly (NM_001243766.2, NM_001410783.1); c.865C>G, p.Arg289Gly (NM_001290129.3); c.502C>G, p.Arg168Gly (NM_001290130.2); short protein forms R311G, R289G, R168G.
Identifiers: ClinVar variation 2034325 (VCV002034325.4), dbSNP rs386834039, ClinGen allele CA340181518.

ClinVar aggregate classification (germline): Likely pathogenic (1 of 4 stars; one submission).

Conditions:
Autosomal recessive limb-girdle muscular dystrophy type 2O. Also called: Limb-Girdle Muscular Dystrophy Type 3C; MUSCULAR DYSTROPHY-DYSTROGLYCANOPATHY (LIMB-GIRDLE), TYPE C, 3; MUSCULAR DYSTROPHY-DYSTROGLYCANOPATHY, LIMB-GIRDLE, POMGNT1-RELATED. Identifiers: Orphanet 206564, MedGen C3150417, MONDO:0013161, OMIM 613157.
Muscular dystrophy-dystroglycanopathy (congenital with impaired intellectual development), type B, 3. Also called: MUSCULAR DYSTROPHY, CONGENITAL, POMGNT1-RELATED; Muscular dystrophy-dystroglycanopathy (congenital with intellectual disability), type B3. Identifiers: MedGen C3150412, MONDO:0013155, OMIM 613151.

Submission:

Labcorp Genetics (formerly Invitae), Labcorp
Classification: Likely pathogenic for Autosomal recessive limb-girdle muscular dystrophy type 2O; Muscular dystrophy-dystroglycanopathy (congenital with impaired intellectual development), type B, 3. Last evaluated: 2022-11-30. Review status: criteria provided, single submitter. Criteria: Invitae Variant Classification Sherloc (09022015). Collection method: clinical testing. Allele origin: germline.
Comment: In summary, the currently available evidence indicates that the variant is pathogenic, but additional data are needed to prove that conclusively. Therefore, this variant has been classified as Likely Pathogenic. This variant disrupts the p.Arg311 amino acid residue in POMGNT1. Other variant(s) that disrupt this residue have been determined to be pathogenic (PMID: 15236414, 17030669, 21361872, 22323514). This suggests that this residue is clinically significant, and that variants that disrupt this residue are likely to be disease-causing. Advanced modeling of protein sequence and biophysical properties (such as structural, functional, and spatial information, amino acid conservation, physicochemical variation, residue mobility, and thermodynamic stability) performed at Invitae indicates that this missense variant is expected to disrupt POMGNT1 protein function. This variant has not been reported in the literature in individuals affected with POMGNT1-related conditions. This variant is not present in population databases (gnomAD no frequency). This sequence change replaces arginine, which is basic and polar, with glycine, which is neutral and non-polar, at codon 311 of the POMGNT1 protein (p.Arg311Gly).

Literature cited by the submitters: PubMed 15236414; PubMed 17030669; PubMed 21361872; PubMed 22323514.